The following is an entry in ClinVar:

NM_001035.3(RYR2):c.11963-4C>T

Gene: RYR2 (ryanodine receptor 2; plus strand). Cytogenetic location: 1q43.
Variant type: single nucleotide variant.
Coding change: c.11963-4C>T on transcript NM_001035.3 (MANE Select); 4 bases into the intron before coding-DNA position 11963, C replaced by T.
Molecular consequence: intron variant.
Genome position (GRCh38, 1-based): chr1:237,783,671, C>T. VCF-style: chr1-237783671-C-T. GRCh37 (hg19) VCF-style: chr1-237946971-C-T.
Other names: c.11963-4C>T (LRG_402t1).
Identifiers: ClinVar variation 628919 (VCV000628919.16), dbSNP rs747161273, ClinGen allele CA085106.

ClinVar aggregate classification (germline): Likely benign. Review status: criteria provided, multiple submitters, no conflicts (2 of 4 stars). 4 submissions from 4 submitters: Likely benign (4). Last evaluated 2023-11-26.

Conditions:
Catecholaminergic polymorphic ventricular tachycardia (CVPT). Also called: Catecholamine-induced polymorphic ventricular tachycardia. Identifiers: Orphanet 3286, MedGen C5574922, MONDO:0017990.
Cardiovascular phenotype. Identifiers: MedGen CN230736.
Cardiomyopathy (CMYO). Also called: Cardiomyopathies. Identifiers: Orphanet 167848, MedGen C0878544, MONDO:0004994, HP:0001638. Inheritance: Various modes of inheritance.
Catecholaminergic polymorphic ventricular tachycardia 1. Also called: RYR2-Related Catecholaminergic Polymorphic Ventricular Tachycardia; VENTRICULAR TACHYCARDIA, CATECHOLAMINERGIC POLYMORPHIC, 1, WITH OR WITHOUT ATRIAL DYSFUNCTION AND/OR DILATED CARDIOMYOPATHY; VENTRICULAR TACHYCARDIA, STRESS-INDUCED POLYMORPHIC 1. Identifiers: Orphanet 3286, MedGen C1631597, MONDO:0011484, OMIM 604772.

Allele frequency attached by ClinVar (database versions not stated): TOPMed below 0.00001; gnomAD exomes 0.00001 and 0.00002; ExAC 0.00004.
gnomAD v4.1: 17 of 1,580,338 alleles (0.0011%); highest among the groups gnomAD compares: Admixed American, 0.0017%; no homozygotes.

Submissions (4):

Labcorp Genetics (formerly Invitae), Labcorp
Classification: Likely benign for Catecholaminergic polymorphic ventricular tachycardia 1. Last evaluated: 2023-11-26. Review status: criteria provided, single submitter. Criteria: Invitae Variant Classification Sherloc (09022015). Collection method: clinical testing. Allele origin: germline.

Ambry Genetics
Classification: Likely benign for Cardiovascular phenotype. Last evaluated: 2023-10-02. Review status: criteria provided, single submitter. Criteria: Ambry Variant Classification Scheme 2023. Collection method: clinical testing. Allele origin: germline.

All of Us Research Program, National Institutes of Health
Classification: Likely benign for Catecholaminergic polymorphic ventricular tachycardia. Last evaluated: 2023-05-04. Review status: criteria provided, single submitter. Criteria: ACMG Guidelines, 2015. Collection method: clinical testing. Allele origin: germline. Inheritance: Autosomal dominant inheritance. Observed: 1 variant allele, 1 heterozygote.
Comment: This study involves interpretation of variants in research participants for the purpose of population health screening. Participant phenotype was not available at the time of variant classification. Additional details can be found in publication PMID: 35346344, PMCID: PMC8962531

Color Diagnostics, LLC DBA Color Health
Classification: Likely benign for Cardiomyopathy. Last evaluated: 2018-07-22. Review status: criteria provided, single submitter. Criteria: ACMG Guidelines, 2015. Collection method: clinical testing. Allele origin: germline.